The following is an entry in ClinVar:

ClinVar aggregate classification (germline): Uncertain significance (1 of 4 stars; one submission).

Conditions:
FBN1-related disorder. Also called: FBN1-related disorders.

Submission:

PreventionGenetics, part of Exact Sciences
Classification: Uncertain significance for FBN1-related condition. Last evaluated: 2023-01-06. Review status: criteria provided, single submitter. Criteria: ACMG Guidelines, 2015. Collection method: clinical testing. Allele origin: germline.
Comment: The FBN1 c.6488A>T variant is predicted to result in the amino acid substitution p.Glu2163Val. To our knowledge, this variant has not been reported in the literature or in a large population database, indicating this variant is rare. At this time, the clinical significance of this variant is uncertain due to the absence of conclusive functional and genetic evidence.

NM_000138.5(FBN1):c.6488A>T (p.Glu2163Val)

Gene: FBN1 (fibrillin 1; minus strand). Cytogenetic location: 15q21.1.
Variant type: single nucleotide variant.
Coding change: c.6488A>T on transcript NM_000138.5 (MANE Select); coding-DNA position 6488, A replaced by T.
Protein change: p.Glu2163Val; replaces glutamic acid 2163 with valine.
Molecular consequence: missense variant.
Genome position (GRCh38, 1-based): chr15:48,436,969, T>A on the plus strand (A>T on the coding strand, the complement: FBN1 is on the minus strand). VCF-style: chr15-48436969-T-A. GRCh37 (hg19) VCF-style: chr15-48729166-T-A.
Other names: c.6488A>T, p.Glu2163Val (NM_001406716.1); short protein forms E2163V.
Identifiers: ClinVar variation 2630059 (VCV002630059.1), dbSNP rs2505435636, ClinGen allele CA392336284.